The following is an entry in ClinVar:

NM_006030.4(CACNA2D2):c.3212A>G (p.Asp1071Gly)

Genes: CACNA2D2 (calcium voltage-gated channel auxiliary subunit alpha2delta 2; minus strand), LOC127898564 (CYB561D2-LOC101928965; plus strand). Cytogenetic location: 3p21.31.
Variant type: single nucleotide variant.
Coding change: c.3212A>G on transcript NM_006030.4 (MANE Select); coding-DNA position 3212, A replaced by G.
Protein change: p.Asp1071Gly; replaces aspartic acid 1071 with glycine.
Molecular consequence: missense variant.
Genome position (GRCh38, 1-based): chr3:50,364,967, T>C on the plus strand (A>G on the coding strand, the complement: CACNA2D2 is on the minus strand). VCF-style: chr3-50364967-T-C. GRCh37 (hg19) VCF-style: chr3-50402398-T-C.
Other names: c.3218A>G, p.Asp1073Gly (NM_001005505.3); c.3233A>G, p.Asp1078Gly (NM_001174051.3); c.3011A>G, p.Asp1004Gly (NM_001291101.1); short protein forms D1073G, D1004G, D1071G, D1078G.
Identifiers: ClinVar variation 937151 (VCV000937151.8), dbSNP rs749883627, ClinGen allele CA2418156.

ClinVar aggregate classification (germline): Uncertain significance (1 of 4 stars; one submission).

Conditions:
Early-infantile DEE. Also called: Early infantile epileptic encephalopathy; Ohtahara syndrome; Early infantile epileptic encephalopathy with suppression bursts. Identifiers: Orphanet 1934, MedGen C0393706, MONDO:0800491.

Allele frequency attached by ClinVar (database versions not stated): gnomAD exomes 0.00001; ExAC 0.00002.

Submission:

Labcorp Genetics (formerly Invitae), Labcorp
Classification: Uncertain significance for Early-infantile DEE. Last evaluated: 2024-10-28. Review status: criteria provided, single submitter. Criteria: Invitae Variant Classification Sherloc (09022015). Collection method: clinical testing. Allele origin: germline.
Comment: This sequence change replaces aspartic acid, which is acidic and polar, with glycine, which is neutral and non-polar, at codon 1071 of the CACNA2D2 protein (p.Asp1071Gly). This variant is present in population databases (rs749883627, gnomAD 0.02%). This variant has not been reported in the literature in individuals affected with CACNA2D2-related conditions. ClinVar contains an entry for this variant (Variation ID: 937151). An algorithm developed to predict the effect of missense changes on protein structure and function (PolyPhen-2) suggests that this variant is likely to be tolerated. Algorithms developed to predict the effect of sequence changes on RNA splicing suggest that this variant may disrupt the consensus splice site. In summary, the available evidence is currently insufficient to determine the role of this variant in disease. Therefore, it has been classified as a Variant of Uncertain Significance.